The following is an entry in ClinVar:

ClinVar aggregate classification (germline): Conflicting classifications of pathogenicity. Review status: criteria provided, conflicting classifications (1 of 4 stars). 3 submissions from 3 submitters: Uncertain significance (2); Likely benign (1). Last evaluated 2026-06-25.

Conditions:
LTBP1-related disorder. Also called: LTBP1-related condition.

gnomAD v4.1: 158 of 1,614,064 alleles (0.0098%); highest among the groups gnomAD compares: African/African-American, 0.023%; no homozygotes.

Submissions (3):

PreventionGenetics, part of Exact Sciences
Classification: Uncertain significance for LTBP1-related condition. Last evaluated: 2026-06-25. Review status: criteria provided, single submitter. Criteria: ACMG Guidelines, 2015. Collection method: clinical testing. Allele origin: germline.
Comment: The LTBP1 c.4745C>T variant is predicted to result in the amino acid substitution p.Thr1582Met. This variant has been reported with a second LTBP1 variant in an individual with craniosynostosis (Supp. Table 4, Topa et al. 2023. PubMed ID: 38318288). This variant is reported in 0.020% of alleles in individuals of African descent in gnomAD. At this time, the clinical significance of this variant is uncertain due to the absence of conclusive functional and genetic evidence.

Ambry Genetics
Classification: Uncertain significance. Last evaluated: 2025-05-16. Review status: criteria provided, single submitter. Criteria: Ambry Variant Classification Scheme 2023. Collection method: clinical testing. Allele origin: germline.

CeGaT Center for Human Genetics Tuebingen
Classification: Likely benign. Last evaluated: 2024-09-01. Review status: criteria provided, single submitter. Criteria: CeGaT Center For Human Genetics Tuebingen Variant Classification Criteria Version 2. Collection method: clinical testing. Allele origin: germline. Affected: yes. Observed: 1 variant allele.
Comment: LTBP1: BP4

NM_206943.4(LTBP1):c.4745C>T (p.Thr1582Met)

Gene: LTBP1 (latent transforming growth factor beta binding protein 1; plus strand). Cytogenetic location: 2p22.3.
Variant type: single nucleotide variant.
Coding change: c.4745C>T on transcript NM_206943.4 (MANE Select); coding-DNA position 4745, C replaced by T.
Protein change: p.Thr1582Met; replaces threonine 1582 with methionine.
Molecular consequence: missense variant.
Genome position (GRCh38, 1-based): chr2:33,389,217, C>T. VCF-style: chr2-33389217-C-T. GRCh37 (hg19) VCF-style: chr2-33614284-C-T.
Other names: c.3767C>T, p.Thr1256Met (NM_000627.4); c.3641C>T, p.Thr1214Met (NM_001166264.2, NM_001394909.1); c.3608C>T, p.Thr1203Met (NM_001166265.2); c.3482C>T, p.Thr1161Met (NM_001166266.2, NM_001394920.1); c.4586C>T, p.Thr1529Met (NM_001394905.1); c.3764C>T, p.Thr1255Met (NM_001394906.1); c.3680C>T, p.Thr1227Met (NM_001394907.1); c.3647C>T, p.Thr1216Met (NM_001394908.1); and 14 more; short protein forms T1071M, T1113M, T1119M, T1121M, T1160M, T1161M, T1165M, T1166M.
Identifiers: ClinVar variation 3388783 (VCV003388783.15).